The following is an entry in ClinVar:

ClinVar aggregate classification (germline): Uncertain significance (1 of 4 stars; one submission).

Conditions:
Hereditary sensory and autonomic neuropathy type 6. Also called: HSAN VI; Neuropathy, hereditary sensory and autonomic, type VI. Identifiers: Orphanet 314381, MedGen C3539003, MONDO:0013839, OMIM 614653.
Epidermolysis bullosa simplex 3, localized or generalized intermediate, with BP230 deficiency (EBS3). Also called: Epidermolysis bullosa simplex, autosomal recessive 2; Epidermolysis bullosa simplex due to BP230 deficiency. Identifiers: Orphanet 412181, MedGen C3809470, MONDO:0014180, OMIM 615425.

Allele frequency attached by ClinVar (database versions not stated): gnomAD exomes 0.00001 and 0.00005; ExAC 0.00002; gnomAD 0.00009 and 0.00010; TOPMed 0.00009.
gnomAD v4.1: 29 of 1,613,664 alleles (0.0018%); highest among the groups gnomAD compares: Admixed American, 0.037%; no homozygotes.

Submission:

Labcorp Genetics (formerly Invitae), Labcorp
Classification: Uncertain significance for Epidermolysis bullosa simplex 3, localized or generalized intermediate, with BP230 deficiency; Hereditary sensory and autonomic neuropathy type 6. Last evaluated: 2020-08-29. Review status: criteria provided, single submitter. Criteria: Invitae Variant Classification Sherloc (09022015). Collection method: clinical testing. Allele origin: germline.
Comment: Experimental studies and prediction algorithms are not available or were not evaluated, and the functional significance of this variant is currently unknown. In summary, the available evidence is currently insufficient to determine the role of this variant in disease. Therefore, it has been classified as a Variant of Uncertain Significance. This variant has not been reported in the literature in individuals with DST-related conditions. This variant is present in population databases (rs757401983, ExAC 0.003%). This sequence change replaces threonine with alanine at codon 3405 of the DST protein (p.Thr3405Ala). The threonine residue is moderately conserved and there is a small physicochemical difference between the two amino acids. The DST gene has multiple clinically relevant transcripts. This variant occurs in alternate transcript NM_015548.4, and corresponds to NM_001723.5:c.*89109A>G in the primary transcript.

NM_001374736.1(DST):c.18082A>G (p.Thr6028Ala)

Gene: DST (dystonin; minus strand). Cytogenetic location: 6p12.1.
Variant type: single nucleotide variant.
Coding change: c.18082A>G on transcript NM_001374736.1 (MANE Select); coding-DNA position 18082, A replaced by G.
Protein change: p.Thr6028Ala; replaces threonine 6028 with alanine.
Molecular consequence: missense variant.
Genome position (GRCh38, 1-based): chr6:56,526,408, T>C on the plus strand (A>G on the coding strand, the complement: DST is on the minus strand). VCF-style: chr6-56526408-T-C. GRCh37 (hg19) VCF-style: chr6-56391206-T-C.
Other names: c.11725A>G, p.Thr3909Ala (NM_001144769.5); c.11311A>G, p.Thr3771Ala (NM_001144770.2); c.18082A>G, p.Thr6028Ala (NM_001374722.1); c.17122A>G, p.Thr5708Ala (NM_001374729.1); c.10864A>G, p.Thr3622Ala (NM_001374730.1); c.18109A>G, p.Thr6037Ala (NM_001374734.1); c.11191A>G, p.Thr3731Ala (NM_001386100.1, NM_183380.4); c.10213A>G, p.Thr3405Ala (NM_015548.5); short protein forms T3405A, T3622A, T3731A, T3771A, T3909A, T5708A, T6028A, T6037A.
Identifiers: ClinVar variation 1011880 (VCV001011880.7), dbSNP rs757401983, ClinGen allele CA3867303.